The following is an entry in ClinVar:

ClinVar aggregate classification (germline): Likely benign. Review status: criteria provided, multiple submitters, no conflicts (2 of 4 stars). 2 submissions from 2 submitters: Likely benign (2). Last evaluated 2025-06-01.

Allele frequency attached by ClinVar (database versions not stated): ExAC 0.00105.

Submissions (2):

CeGaT Center for Human Genetics Tuebingen
Classification: Likely benign. Last evaluated: 2025-06-01. Review status: criteria provided, single submitter. Criteria: CeGaT Center For Human Genetics Tuebingen Variant Classification Criteria Version 2. Collection method: clinical testing. Allele origin: germline. Affected: yes. Observed: 3 variant alleles.
Comment: DSPP: BP4, BP7

Blueprint Genetics
Classification: Likely benign. Last evaluated: 2024-10-10. Review status: criteria provided, single submitter. Criteria: ACMG Guidelines, 2015. Collection method: clinical testing. Allele origin: germline.

NM_014208.3(DSPP):c.3141T>C (p.Asp1047=)

Genes: DMP1-AS1 (DMP1 and DSPP antisense RNA 1; minus strand), DSPP (dentin sialophosphoprotein; plus strand). Cytogenetic location: 4q22.1.
Variant type: single nucleotide variant.
Coding change: c.3141T>C on transcript NM_014208.3 (MANE Select); coding-DNA position 3141, T replaced by C.
Protein change: p.Asp1047=; no amino-acid change (aspartic acid 1047 retained).
Molecular consequence: synonymous variant.
Genome position (GRCh38, 1-based): chr4:87,615,803, T>C. VCF-style: chr4-87615803-T-C. GRCh37 (hg19) VCF-style: chr4-88536955-T-C.
Identifiers: ClinVar variation 2654902 (VCV002654902.25), dbSNP rs375385448, ClinGen allele CA3001435.